The following is an entry in ClinVar:

NM_001102564.3(IFT43):c.368+1G>C

Gene: IFT43 (intraflagellar transport 43; plus strand). Cytogenetic location: 14q24.3.
Variant type: single nucleotide variant.
Coding change: c.368+1G>C on transcript NM_001102564.3 (MANE Select); the canonical splice donor site of the intron after coding-DNA position 368, G replaced by C.
Molecular consequence: splice donor variant.
Genome position (GRCh38, 1-based): chr14:76,082,368, G>C. VCF-style: chr14-76082368-G-C. GRCh37 (hg19) VCF-style: chr14-76548711-G-C.
Other names: c.383+1G>C (NM_052873.3).
Identifiers: ClinVar variation 4849485 (VCV004849485.1).

ClinVar aggregate classification (germline): Likely pathogenic (1 of 4 stars; one submission).

Conditions:
Cranioectodermal dysplasia 3 (CED3). Identifiers: Orphanet 1515, MedGen C3279807, MONDO:0013573, OMIM 614099.
Short-rib thoracic dysplasia 18 with polydactyly. Identifiers: MedGen C4693420, MONDO:0036483, OMIM 617866.
Retinitis pigmentosa 81 (RP81). Identifiers: MedGen C4693443, MONDO:0036482, OMIM 617871.

gnomAD v4.1: 2 of 1,586,754 alleles (0.00013%); highest among the groups gnomAD compares: East Asian, 0.0022%; no homozygotes.

Submission:

First Genomix Gene Laboratory, Genetic Diagnostics Department
Classification: Likely pathogenic for Cranioectodermal dysplasia 3; Retinitis pigmentosa 81; Short-rib thoracic dysplasia 18 with polydactyly. Last evaluated: 2025-05-22. Review status: criteria provided, single submitter. Criteria: ACMG Guidelines, 2015. Collection method: clinical testing. Allele origin: germline. Inheritance: Autosomal recessive inheritance. Affected: no. Observed: 1 variant allele.